The following is an entry in ClinVar:

NM_018297.4(NGLY1):c.276del (p.Ala93fs)

Gene: NGLY1 (N-glycanase 1; minus strand). Cytogenetic location: 3p24.2.
Variant type: Deletion.
Coding change: c.276del on transcript NM_018297.4 (MANE Select); coding-DNA position 276, one base deleted (A; older notation c.276delA).
Protein change: p.Ala93fs; shifts the reading frame from alanine 93.
Molecular consequence: frameshift variant.
Genome position (GRCh38, 1-based): chr3:25,764,282, T deleted on the plus strand (A on the coding strand, the reverse complement: NGLY1 is on the minus strand); the first of 6 consecutive T bases (chr3:25,764,282-25,764,287); deleting any one gives the same sequence. VCF-style (leftmost placement, unchanged base first): chr3-25764281-CT-C. GRCh37 (hg19) VCF-style: chr3-25805772-CT-C.
Other names: c.276del, p.Ala93fs (NM_001145293.2, NM_001145295.2); c.150del, p.Ala51fs (NM_001145294.2); short protein forms A51fs, A93fs.
Identifiers: ClinVar variation 2713213 (VCV002713213.3), dbSNP rs1217945461, ClinGen allele CA351909732.

ClinVar aggregate classification (germline): Pathogenic (1 of 4 stars; one submission).

Conditions:
Congenital disorder of deglycosylation (CDDG). Identifiers: MedGen C3808991, MONDO:0031376.

Submission:

Labcorp Genetics (formerly Invitae), Labcorp
Classification: Pathogenic for Congenital disorder of deglycosylation. Last evaluated: 2023-08-16. Review status: criteria provided, single submitter. Criteria: Invitae Variant Classification Sherloc (09022015). Collection method: clinical testing. Allele origin: germline.
Comment: For these reasons, this variant has been classified as Pathogenic. This variant has not been reported in the literature in individuals affected with NGLY1-related conditions. This variant is present in population databases (no rsID available, gnomAD 0.0009%). This sequence change creates a premature translational stop signal (p.Ala93Leufs*12) in the NGLY1 gene. It is expected to result in an absent or disrupted protein product. Loss-of-function variants in NGLY1 are known to be pathogenic (PMID: 24651605).

Literature cited by the submitters: PubMed 24651605.